The following is an entry in ClinVar:

ClinVar aggregate classification (germline): Uncertain significance (1 of 4 stars; one submission).

gnomAD v4.1: 2 of 1,592,706 alleles (0.00013%); highest among the groups gnomAD compares: Non-Finnish European, 0.00017%; no homozygotes.

Submission:

Labcorp Genetics (formerly Invitae), Labcorp
Classification: Uncertain significance. Last evaluated: 2026-01-28. Review status: criteria provided, single submitter. Criteria: Invitae Variant Classification Sherloc (09022015). Collection method: clinical testing. Allele origin: germline.
Comment: This sequence change replaces proline, which is neutral and non-polar, with serine, which is neutral and polar, at codon 605 of the TNK2 protein (p.Pro605Ser). This variant is not present in population databases (gnomAD no frequency). This variant has not been reported in the literature in individuals affected with TNK2-related conditions. An algorithm developed to predict the effect of missense changes on protein structure and function (PolyPhen-2) suggests that this variant is likely to be tolerated. In summary, the available evidence is currently insufficient to determine the role of this variant in disease. Therefore, it has been classified as a Variant of Uncertain Significance.

NM_001382273.1(TNK2):c.1624C>T (p.Pro542Ser)

Gene: TNK2 (tyrosine kinase non receptor 2; minus strand). Cytogenetic location: 3q29.
Variant type: single nucleotide variant.
Coding change: c.1624C>T on transcript NM_001382273.1 (MANE Select); coding-DNA position 1624, C replaced by T.
Protein change: p.Pro542Ser; replaces proline 542 with serine.
Molecular consequence: missense variant. On other transcripts: non-coding transcript variant (15).
Genome position (GRCh38, 1-based): chr3:195,868,674, G>A on the plus strand (C>T on the coding strand, the complement: TNK2 is on the minus strand). VCF-style: chr3-195868674-G-A. GRCh37 (hg19) VCF-style: chr3-195595545-G-A.
Other names: c.1696C>T, p.Pro566Ser (NM_001010938.2, NM_001382272.1); c.1675C>T, p.Pro559Ser (NM_001308046.2, NM_001382271.1); c.1624C>T, p.Pro542Ser (NM_001382274.1, NM_001387716.1, NM_001387717.1 and 1 more transcripts); c.1720C>T, p.Pro574Ser (NM_001382275.1, NM_001387707.1); c.1579C>T, p.Pro527Ser (NM_001386164.1, NM_001387709.1, NM_001387710.1 and 8 more transcripts); c.1651C>T, p.Pro551Ser (NM_001387708.1, NM_001387715.1); short protein forms P527S, P542S, P551S, P559S, P566S, P574S.
Identifiers: ClinVar variation 4706669 (VCV004706669.1).